The following is an entry in ClinVar:

NM_000090.4(COL3A1):c.3336T>C (p.Pro1112=)

Gene: COL3A1 (collagen type III alpha 1 chain; plus strand). Cytogenetic location: 2q32.2.
Variant type: single nucleotide variant.
Coding change: c.3336T>C on transcript NM_000090.4 (MANE Select); coding-DNA position 3336, T replaced by C.
Protein change: p.Pro1112=; no amino-acid change (proline 1112 retained).
Molecular consequence: synonymous variant.
Genome position (GRCh38, 1-based): chr2:189,007,580, T>C. VCF-style: chr2-189007580-T-C. GRCh37 (hg19) VCF-style: chr2-189872306-T-C.
Identifiers: ClinVar variation 412897 (VCV000412897.24), dbSNP rs749357239, ClinGen allele CA076020.

ClinVar aggregate classification (germline): Benign/Likely benign. Review status: criteria provided, multiple submitters, no conflicts (2 of 4 stars). 8 submissions from 8 submitters: Benign (4); Likely benign (3). 1 of the submissions does not count toward it. Last evaluated 2026-03-01.

Conditions:
COL3A1-related disorder. Also called: COL3A1-related condition.
Familial thoracic aortic aneurysm and aortic dissection (TAAD). Also called: Thoracic aortic aneurysms and dissections. Identifiers: Orphanet 91387, MedGen C4707243, MONDO:0019625.
Ehlers-Danlos syndrome, type 4 (EDSVASC). Also called: Ehlers-Danlos Syndrome Type IV; Ehlers-Danlos syndrome vascular type; Ehlers Danlos syndrome, ecchymotic type; Ehlers Danlos syndrome, arterial type; Ehlers Danlos syndrome, Sack-Barabas type. Identifiers: Orphanet 286, MedGen C0268338, MONDO:0017314, OMIM 130050.

Allele frequency attached by ClinVar (database versions not stated): gnomAD exomes 0.00003 and 0.00016; gnomAD 0.00004; TOPMed 0.00008; ExAC 0.00018.
gnomAD v4.1: 50 of 1,613,152 alleles (0.0031%); highest among the groups gnomAD compares: Admixed American, 0.08%; no homozygotes.

Submissions (8):

CeGaT Center for Human Genetics Tuebingen
Classification: Likely benign. Last evaluated: 2026-03-01. Review status: criteria provided, single submitter. Criteria: CeGaT Center For Human Genetics Tuebingen Variant Classification Criteria Version 2. Collection method: clinical testing. Allele origin: germline. Affected: yes. Observed: 1 variant allele.
Comment: COL3A1: BP4, BP7

Labcorp Genetics (formerly Invitae), Labcorp
Classification: Benign for Ehlers-Danlos syndrome, type 4. Last evaluated: 2025-12-08. Review status: criteria provided, single submitter. Criteria: Invitae Variant Classification Sherloc (09022015). Collection method: clinical testing. Allele origin: germline.

Blueprint Genetics
Classification: Likely benign. Last evaluated: 2024-11-22. Review status: criteria provided, single submitter. Criteria: ACMG Guidelines, 2015. Collection method: clinical testing. Allele origin: germline.

All of Us Research Program, National Institutes of Health
Classification: Benign for Ehlers-Danlos syndrome, type 4. Last evaluated: 2023-12-13. Review status: criteria provided, single submitter. Criteria: ACMG Guidelines, 2015. Collection method: clinical testing. Allele origin: germline. Inheritance: Autosomal dominant inheritance. Observed: 9 variant alleles, 9 heterozygotes.
Comment: This study involves interpretation of variants in research participants for the purpose of population health screening. Participant phenotype was not available at the time of variant classification. Additional details can be found in publication PMID: 35346344, PMCID: PMC8962531

Ambry Genetics
Classification: Likely benign for Familial thoracic aortic aneurysm and aortic dissection. Last evaluated: 2022-07-27. Review status: criteria provided, single submitter. Criteria: Ambry Variant Classification Scheme 2023. Collection method: clinical testing. Allele origin: germline.

Women's Health and Genetics/Laboratory Corporation of America, LabCorp
Classification: Benign. Last evaluated: 2022-05-21. Review status: criteria provided, single submitter. Criteria: LabCorp Variant Classification Summary - May 2015. Collection method: clinical testing. Allele origin: germline.

Color Diagnostics, LLC DBA Color Health
Classification: Benign for Familial thoracic aortic aneurysm and aortic dissection. Last evaluated: 2019-12-29. Review status: criteria provided, single submitter. Criteria: ACMG Guidelines, 2015. Collection method: clinical testing. Allele origin: germline.

PreventionGenetics, part of Exact Sciences
Classification: Likely benign for COL3A1-related condition. Last evaluated: 2021-10-26. Review status: no assertion criteria provided. Collection method: clinical testing. Allele origin: germline. Not counted in ClinVar's aggregate classification.
Comment: This variant is classified as likely benign based on ACMG/AMP sequence variant interpretation guidelines (Richards et al. 2015 PMID: 25741868, with internal and published modifications).